The following is an entry in ClinVar:

ClinVar aggregate classification (germline): Uncertain significance. Review status: criteria provided, multiple submitters, no conflicts (2 of 4 stars). 2 submissions from 2 submitters: Uncertain significance (2). Last evaluated 2024-10-15.

Conditions:
Familial acute necrotizing encephalopathy (IIAE3). Also called: ENCEPHALOPATHY, ACUTE, INFECTION-INDUCED, SUSCEPTIBILITY TO, 3; Susceptibility to Acute Necrotizing Encephalopathy 1. Identifiers: Orphanet 88619, MedGen C2675556, MONDO:0011953, OMIM 608033.

Allele frequency attached by ClinVar (database versions not stated): ESP Exome Variant Server 0.00023; gnomAD exomes 0.00001 and 0.00002; ExAC 0.00003; gnomAD 0.00003 and 0.00004; TOPMed 0.00004.
gnomAD v4.1: 28 of 1,613,888 alleles (0.0017%); highest among the groups gnomAD compares: Non-Finnish European, 0.002%; no homozygotes.

Submissions (2):

Labcorp Genetics (formerly Invitae), Labcorp
Classification: Uncertain significance for Familial acute necrotizing encephalopathy. Last evaluated: 2024-10-15. Review status: criteria provided, single submitter. Criteria: Invitae Variant Classification Sherloc (09022015). Collection method: clinical testing. Allele origin: germline.
Comment: This sequence change replaces arginine, which is basic and polar, with glutamine, which is neutral and polar, at codon 1407 of the RANBP2 protein (p.Arg1407Gln). This variant is present in population databases (rs146986427, gnomAD 0.007%). This variant has not been reported in the literature in individuals affected with RANBP2-related conditions. ClinVar contains an entry for this variant (Variation ID: 843146). An algorithm developed to predict the effect of missense changes on protein structure and function (PolyPhen-2) suggests that this variant is likely to be disruptive. In summary, the available evidence is currently insufficient to determine the role of this variant in disease. Therefore, it has been classified as a Variant of Uncertain Significance.

Ambry Genetics
Classification: Uncertain significance. Last evaluated: 2022-06-29. Review status: criteria provided, single submitter. Criteria: Ambry Variant Classification Scheme 2023. Collection method: clinical testing. Allele origin: germline.

NM_006267.5(RANBP2):c.4220G>A (p.Arg1407Gln)

Gene: RANBP2 (RAN binding protein 2; plus strand). Cytogenetic location: 2q13.
Variant type: single nucleotide variant.
Coding change: c.4220G>A on transcript NM_006267.5 (MANE Select); coding-DNA position 4220, G replaced by A.
Protein change: p.Arg1407Gln; replaces arginine 1407 with glutamine.
Molecular consequence: missense variant.
Genome position (GRCh38, 1-based): chr2:108,764,759, G>A. VCF-style: chr2-108764759-G-A. GRCh37 (hg19) VCF-style: chr2-109381215-G-A.
Other names: short protein forms R1407Q.
Identifiers: ClinVar variation 843146 (VCV000843146.11), dbSNP rs146986427, ClinGen allele CA1823067.